The following is an entry in ClinVar:

NM_002875.5(RAD51):c.34G>A (p.Asp12Asn)

Gene: RAD51 (RAD51 recombinase; plus strand). Cytogenetic location: 15q15.1.
Variant type: single nucleotide variant.
Coding change: c.34G>A on transcript NM_002875.5 (MANE Select); coding-DNA position 34, G replaced by A.
Protein change: p.Asp12Asn; replaces aspartic acid 12 with asparagine.
Molecular consequence: missense variant.
Genome position (GRCh38, 1-based): chr15:40,698,792, G>A. VCF-style: chr15-40698792-G-A. GRCh37 (hg19) VCF-style: chr15-40990990-G-A.
Other names: c.34G>A, p.Asp12Asn (NM_001164269.2, NM_001164270.2, NM_133487.4); short protein forms D12N.
Identifiers: ClinVar variation 3312361 (VCV003312361.1).

ClinVar aggregate classification (germline): Uncertain significance (1 of 4 stars; one submission).

Conditions:
Inborn genetic diseases. Identifiers: MedGen C0950123, MeSH D030342.

Submission:

Ambry Genetics
Classification: Uncertain significance for Inborn genetic diseases. Last evaluated: 2024-05-10. Review status: criteria provided, single submitter. Criteria: Ambry Variant Classification Scheme 2023. Collection method: clinical testing. Allele origin: germline.
Comment: The p.D12N variant (also known as c.34G>A), located in coding exon 1 of the RAD51 gene, results from a G to A substitution at nucleotide position 34. The aspartic acid at codon 12 is replaced by asparagine, an amino acid with highly similar properties. This amino acid position is conserved. In addition, this alteration is predicted to be tolerated by in silico analysis. Based on the available evidence, the clinical significance of this variant remains unclear.